The following is an entry in ClinVar:

NM_001004051.4(GPRASP2):c.2354A>G (p.Gln785Arg)

Genes: ARMCX5-GPRASP2 (ARMCX5-GPRASP2 readthrough; plus strand), GPRASP2 (G protein-coupled receptor associated sorting protein 2; plus strand). Cytogenetic location: Xq22.1.
Variant type: single nucleotide variant.
Coding change: c.2354A>G on transcript NM_001004051.4 (MANE Select); coding-DNA position 2354, A replaced by G.
Protein change: p.Gln785Arg; replaces glutamine 785 with arginine.
Molecular consequence: missense variant. On other transcripts: intron variant (3).
Genome position (GRCh38, 1-based): chrX:102,717,223, A>G. VCF-style: chrX-102717223-A-G. GRCh37 (hg19) VCF-style: chrX-101972151-A-G.
Other names: c.2354A>G, p.Gln785Arg (NM_001199818.1, NM_001184874.3, NM_001184875.3 and 2 more transcripts); c.-820+2957A>G (NM_001350268.2); c.-752+2957A>G (NM_001350269.2); c.-721+2957A>G (NM_001350270.1); c.2354A>G (NM_138437.5); short protein forms Q785R.
Identifiers: ClinVar variation 2394186 (VCV002394186.3), dbSNP rs375864701, ClinGen allele CA10476654.

ClinVar aggregate classification (germline): Uncertain significance. Review status: criteria provided, single submitter (1 of 4 stars). 2 submissions from 2 submitters: Uncertain significance (1). 1 of the submissions does not count toward it. Last evaluated 2022-11-10.

Conditions:
GPRASP2-related disorder. Also called: GPRASP2-related condition.

Allele frequency attached by ClinVar (database versions not stated): TOPMed 0.00003; gnomAD 0.00004; ExAC 0.00005; ESP Exome Variant Server 0.00009.
gnomAD v4.1: 30 of 1,122,780 alleles (0.0027%); highest among the groups gnomAD compares: Admixed American, 0.021%; no homozygotes.

Submissions (2):

Ambry Genetics
Classification: Uncertain significance. Last evaluated: 2022-11-10. Review status: criteria provided, single submitter. Criteria: Ambry Variant Classification Scheme 2023. Collection method: clinical testing. Allele origin: germline.

PreventionGenetics, part of Exact Sciences
Classification: Likely benign for GPRASP2-related condition. Last evaluated: 2024-09-18. Review status: no assertion criteria provided. Collection method: clinical testing. Allele origin: germline. Not counted in ClinVar's aggregate classification.
Comment: This variant is classified as likely benign based on ACMG/AMP sequence variant interpretation guidelines (Richards et al. 2015 PMID: 25741868, with internal and published modifications).